The following is an entry in ClinVar:

NM_000548.5(TSC2):c.1527C>T (p.Thr509=)

Gene: TSC2 (TSC complex subunit 2; plus strand). Cytogenetic location: 16p13.3.
Variant type: single nucleotide variant.
Coding change: c.1527C>T on transcript NM_000548.5 (MANE Select); coding-DNA position 1527, C replaced by T.
Protein change: p.Thr509=; no amino-acid change (threonine 509 retained).
Molecular consequence: synonymous variant. On other transcripts: non-coding transcript variant (5), 5 prime UTR variant (1).
Genome position (GRCh38, 1-based): chr16:2,064,355, C>T. VCF-style: chr16-2064355-C-T. GRCh37 (hg19) VCF-style: chr16-2114356-C-T.
Other names: c.1527C>T, p.Thr509= (NM_001077183.3, NM_001114382.3, NM_001363528.2 and 6 more transcripts); c.1416C>T, p.Thr472= (NM_001318827.2, NM_001406670.1, NM_001406678.1); c.1380C>T, p.Thr460= (NM_001318829.2, NM_001406675.1, NM_001406676.1 and 1 more transcripts); c.927C>T, p.Thr309= (NM_001318831.2, NM_001406680.1, NM_001406682.1 and 6 more transcripts); c.1560C>T, p.Thr520= (NM_001318832.2); c.1617C>T, p.Thr539= (NM_001406667.1, NM_001406668.1); c.1515C>T, p.Thr505= (NM_001406671.1, NM_001406673.1); c.1470C>T, p.Thr490= (NM_001406677.1); and 3 more.
Identifiers: ClinVar variation 4071187 (VCV004071187.1).

ClinVar aggregate classification (germline): Benign (1 of 4 stars; one submission).

Conditions:
Tuberous sclerosis 2 (TSC2). Identifiers: Orphanet 805, MedGen C1860707, MONDO:0013199, OMIM 613254.

Submission:

Myriad Genetics, Inc.
Classification: Benign for Tuberous sclerosis 2. Last evaluated: 2025-05-14. Review status: criteria provided, single submitter. Criteria: Myriad Autosomal Dominant, Autosomal Recessive and X-Linked Classification Criteria (2023). Collection method: clinical testing. Allele origin: unknown.
Comment: This variant is considered benign. This variant is a silent/synonymous amino acid change and it is not expected to impact splicing.